The following is an entry in ClinVar:

NM_198123.2(CSMD3):c.5655A>G (p.Arg1885=)

Gene: CSMD3 (CUB and Sushi multiple domains 3; minus strand). Cytogenetic location: 8q23.3.
Variant type: single nucleotide variant.
Coding change: c.5655A>G on transcript NM_198123.2 (MANE Select); coding-DNA position 5655, A replaced by G.
Protein change: p.Arg1885=; no amino-acid change (arginine 1885 retained).
Molecular consequence: synonymous variant.
Genome position (GRCh38, 1-based): chr8:112,406,678, T>C on the plus strand (A>G on the coding strand, the complement: CSMD3 is on the minus strand). VCF-style: chr8-112406678-T-C. GRCh37 (hg19) VCF-style: chr8-113418907-T-C.
Other names: c.5055A>G, p.Arg1685= (NM_001363185.1); c.5343A>G, p.Arg1781= (NM_052900.3); c.5535A>G, p.Arg1845= (NM_198124.2).
Identifiers: ClinVar variation 2658760 (VCV002658760.24), dbSNP rs1215762034, ClinGen allele CA462619585.
Genomic context (GRCh38, chr8:112,406,678, plus strand): 5'-ATTACAATCAAAAAGAACCGATGAACCGACTGCAAATTCATTGCCAATTCTTCTTCCGAA[T>C]CTTGGTTCAGGCACAGAACTGCATTGTGTAGAACTTGTTCTAGGAACAGCTGTGTAGAAA-3'
Protein context (NP_937756.1, residues 1875-1895): STQCSSVPEP[Arg1885=]FGRRIGNEFA

ClinVar aggregate classification (germline): Likely benign (1 of 4 stars; one submission).

Allele frequency attached by ClinVar (database versions not stated): gnomAD exomes below 0.00001; TOPMed 0.00001.
gnomAD v4.1: 3 of 1,612,130 alleles (0.00019%); highest among the groups gnomAD compares: South Asian, 0.0011%; no homozygotes.

Submission:

CeGaT Center for Human Genetics Tuebingen
Classification: Likely benign. Last evaluated: 2022-07-01. Review status: criteria provided, single submitter. Criteria: CeGaT Center For Human Genetics Tuebingen Variant Classification Criteria Version 2. Collection method: clinical testing. Allele origin: germline. Affected: yes. Observed: 1 variant allele.
Comment: CSMD3: PM2:Supporting, BP4, BP7